The following is an entry in ClinVar:

ClinVar aggregate classification (germline): Uncertain significance. Review status: criteria provided, multiple submitters, no conflicts (2 of 4 stars). 3 submissions from 3 submitters: Uncertain significance (3). Last evaluated 2025-06-03.

Allele frequency attached by ClinVar (database versions not stated): gnomAD exomes 0.00001 and 0.00002; ExAC 0.00001.
gnomAD v4.1: 13 of 1,612,984 alleles (0.00081%); highest among the groups gnomAD compares: Non-Finnish European, 0.0011%; no homozygotes.

Submissions (3):

Labcorp Genetics (formerly Invitae), Labcorp
Classification: Uncertain significance. Last evaluated: 2025-06-03. Review status: criteria provided, single submitter. Criteria: Invitae Variant Classification Sherloc (09022015). Collection method: clinical testing. Allele origin: germline.
Comment: This sequence change replaces arginine, which is basic and polar, with cysteine, which is neutral and slightly polar, at codon 194 of the COL11A2 protein (p.Arg194Cys). This variant is present in population databases (rs780110905, gnomAD 0.006%). This variant has not been reported in the literature in individuals affected with COL11A2-related conditions. ClinVar contains an entry for this variant (Variation ID: 1191943). Invitae Evidence Modeling of protein sequence and biophysical properties (such as structural, functional, and spatial information, amino acid conservation, physicochemical variation, residue mobility, and thermodynamic stability) indicates that this missense variant is not expected to disrupt COL11A2 protein function with a negative predictive value of 95%. In summary, the available evidence is currently insufficient to determine the role of this variant in disease. Therefore, it has been classified as a Variant of Uncertain Significance.

GeneDx
Classification: Uncertain significance. Last evaluated: 2023-10-12. Review status: criteria provided, single submitter. Criteria: GeneDx Variant Classification Process June 2021. Collection method: clinical testing. Allele origin: germline. Affected: yes.
Comment: Has not been previously published as pathogenic or benign to our knowledge; Not observed at significant frequency in large population cohorts (gnomAD); In silico analysis supports that this missense variant has a deleterious effect on protein structure/function

Blueprint Genetics
Classification: Uncertain significance. Last evaluated: 2021-06-21. Review status: criteria provided, single submitter. Criteria: ACMG Guidelines, 2015. Collection method: clinical testing. Allele origin: germline.

NM_080680.3(COL11A2):c.580C>T (p.Arg194Cys)

Gene: COL11A2 (collagen type XI alpha 2 chain; minus strand). Cytogenetic location: 6p21.32.
Variant type: single nucleotide variant.
Coding change: c.580C>T on transcript NM_080680.3 (MANE Select); coding-DNA position 580, C replaced by T.
Protein change: p.Arg194Cys; replaces arginine 194 with cysteine.
Molecular consequence: missense variant.
Genome position (GRCh38, 1-based): chr6:33,188,388, G>A on the plus strand (C>T on the coding strand, the complement: COL11A2 is on the minus strand). VCF-style: chr6-33188388-G-A. GRCh37 (hg19) VCF-style: chr6-33156165-G-A.
Other names: c.580C>T, p.Arg194Cys (NM_001163771.2, NM_080679.3, NM_080681.3); short protein forms R194C.
Identifiers: ClinVar variation 1191943 (VCV001191943.6), dbSNP rs780110905, ClinGen allele CA3751635.